The following is an entry in ClinVar:

ClinVar aggregate classification (germline): Uncertain significance. Review status: criteria provided, multiple submitters, no conflicts (2 of 4 stars). 2 submissions from 2 submitters: Uncertain significance (2). Last evaluated 2025-08-04.

Conditions:
Inborn genetic diseases. Identifiers: MedGen C0950123, MeSH D030342.

Allele frequency attached by ClinVar (database versions not stated): gnomAD exomes below 0.00001.
gnomAD v4.1: 2 of 1,613,792 alleles (0.00012%); highest among the groups gnomAD compares: East Asian, 0.0045%; no homozygotes.

Submissions (2):

Ambry Genetics
Classification: Uncertain significance for Inborn genetic diseases. Last evaluated: 2025-08-04. Review status: criteria provided, single submitter. Criteria: Ambry Variant Classification Scheme 2023. Collection method: clinical testing. Allele origin: germline.
Comment: The p.W586R variant (also known as c.1756T>C), located in coding exon 1 of the SAMD9 gene, results from a T to C substitution at nucleotide position 1756. The tryptophan at codon 586 is replaced by arginine, an amino acid with dissimilar properties. This amino acid position is conserved. In addition, the in silico prediction for this alteration is inconclusive. Based on the available evidence, the clinical significance of this variant remains unclear.

Labcorp Genetics (formerly Invitae), Labcorp
Classification: Uncertain significance. Last evaluated: 2022-09-05. Review status: criteria provided, single submitter. Criteria: Invitae Variant Classification Sherloc (09022015). Collection method: clinical testing. Allele origin: germline.
Comment: This variant has not been reported in the literature in individuals affected with SAMD9-related conditions. This sequence change replaces tryptophan, which is neutral and slightly polar, with arginine, which is basic and polar, at codon 586 of the SAMD9 protein (p.Trp586Arg). This variant is not present in population databases (gnomAD no frequency). Algorithms developed to predict the effect of missense changes on protein structure and function are either unavailable or do not agree on the potential impact of this missense change (SIFT: "Deleterious"; PolyPhen-2: "Probably Damaging"; Align-GVGD: "Class C0"). In summary, the available evidence is currently insufficient to determine the role of this variant in disease. Therefore, it has been classified as a Variant of Uncertain Significance.

NM_017654.4(SAMD9):c.1756T>C (p.Trp586Arg)

Gene: SAMD9 (sterile alpha motif domain containing 9; minus strand). Cytogenetic location: 7q21.2.
Variant type: single nucleotide variant.
Coding change: c.1756T>C on transcript NM_017654.4 (MANE Select); coding-DNA position 1756, T replaced by C.
Protein change: p.Trp586Arg; replaces tryptophan 586 with arginine.
Molecular consequence: missense variant.
Genome position (GRCh38, 1-based): chr7:93,104,342, A>G on the plus strand (T>C on the coding strand, the complement: SAMD9 is on the minus strand). VCF-style: chr7-93104342-A-G. GRCh37 (hg19) VCF-style: chr7-92733655-A-G.
Other names: c.1756T>C, p.Trp586Arg (NM_001193307.2); c.1756T>C (NM_017654.3); short protein forms W586R.
Identifiers: ClinVar variation 1718857 (VCV001718857.6), dbSNP rs2116419141, ClinGen allele CA368194891.